The following is an entry in ClinVar:

NM_133368.3(RSPRY1):c.1191C>T (p.Tyr397=)

Gene: RSPRY1 (ring finger and SPRY domain containing 1; plus strand). Cytogenetic location: 16q13.
Variant type: single nucleotide variant.
Coding change: c.1191C>T on transcript NM_133368.3 (MANE Select); coding-DNA position 1191, C replaced by T.
Protein change: p.Tyr397=; no amino-acid change (tyrosine 397 retained).
Molecular consequence: synonymous variant.
Genome position (GRCh38, 1-based): chr16:57,227,371, C>T. VCF-style: chr16-57227371-C-T. GRCh37 (hg19) VCF-style: chr16-57261283-C-T.
Other names: c.1191C>T, p.Tyr397= (NM_001305163.2, NM_001305164.2).
Identifiers: ClinVar variation 789835 (VCV000789835.13), dbSNP rs60653561, ClinGen allele CA8074672.

ClinVar aggregate classification (germline): Benign. Review status: criteria provided, multiple submitters, no conflicts (2 of 4 stars). 3 submissions from 3 submitters: Benign (2). 1 of the submissions does not count toward it. Last evaluated 2026-01-06.

Conditions:
RSPRY1-related disorder. Also called: RSPRY1-related condition.

Allele frequency attached by ClinVar (database versions not stated): gnomAD exomes 0.00068 and 0.00193; ExAC 0.00245; 1000 Genomes Project 0.00679; gnomAD 0.00722 and 0.00782; 1000 Genomes Project 30x 0.00734; TOPMed 0.00816; ESP Exome Variant Server 0.00900.
gnomAD v4.1: 2,142 of 1,614,012 alleles (0.13%); highest among the groups gnomAD compares: African/African-American, 2.6%; 22 homozygotes.

Submissions (3):

Labcorp Genetics (formerly Invitae), Labcorp
Classification: Benign. Last evaluated: 2026-01-06. Review status: criteria provided, single submitter. Criteria: Invitae Variant Classification Sherloc (09022015). Collection method: clinical testing. Allele origin: germline.

Breakthrough Genomics
Classification: Benign. Review status: criteria provided, single submitter. Criteria: ACMG Guidelines, 2015. Collection method: not provided. Allele origin: germline. Inheritance: Autosomal recessive inheritance. Affected: yes.

PreventionGenetics, part of Exact Sciences
Classification: Benign for RSPRY1-related condition. Last evaluated: 2019-10-29. Review status: no assertion criteria provided. Collection method: clinical testing. Allele origin: germline. Not counted in ClinVar's aggregate classification.
Comment: This variant is classified as benign based on ACMG/AMP sequence variant interpretation guidelines (Richards et al. 2015 PMID: 25741868, with internal and published modifications).